The following is an entry in ClinVar:

ClinVar aggregate classification (germline): Uncertain significance (1 of 4 stars; one submission).

Conditions:
Inborn genetic diseases. Identifiers: MedGen C0950123, MeSH D030342.

Allele frequency attached by ClinVar (database versions not stated): gnomAD exomes below 0.00001; TOPMed below 0.00001; gnomAD 0.00001.
gnomAD v4.1: 2 of 1,613,928 alleles (0.00012%); highest among the groups gnomAD compares: Non-Finnish European, 0.00017%; no homozygotes.

Submission:

Ambry Genetics
Classification: Uncertain significance for Inborn genetic diseases. Last evaluated: 2022-02-02. Review status: criteria provided, single submitter. Criteria: Ambry Variant Classification Scheme 2023. Collection method: clinical testing. Allele origin: germline.
Comment: The p.N555D variant (also known as c.1663A>G), located in coding exon 12 of the EPAS1 gene, results from an A to G substitution at nucleotide position 1663. The asparagine at codon 555 is replaced by aspartic acid, an amino acid with highly similar properties. This amino acid position is conserved. In addition, this alteration is predicted to be tolerated by in silico analysis. Since supporting evidence is limited at this time, the clinical significance of this alteration remains unclear.

NM_001430.5(EPAS1):c.1663A>G (p.Asn555Asp)

Gene: EPAS1 (endothelial PAS domain protein 1; plus strand). Cytogenetic location: 2p21.
Variant type: single nucleotide variant.
Coding change: c.1663A>G on transcript NM_001430.5 (MANE Select); coding-DNA position 1663, A replaced by G.
Protein change: p.Asn555Asp; replaces asparagine 555 with aspartic acid.
Molecular consequence: missense variant.
Genome position (GRCh38, 1-based): chr2:46,380,335, A>G. VCF-style: chr2-46380335-A-G. GRCh37 (hg19) VCF-style: chr2-46607474-A-G.
Other names: short protein forms N555D.
Identifiers: ClinVar variation 1777525 (VCV001777525.2), dbSNP rs1159222750, ClinGen allele CA346704615.
Genomic context (GRCh38, chr2:46,380,335, plus strand): 5'-ATGGACGGGGAAGACTTCCAGCTAAGCCCCATCTGCCCCGAGGAGCGGCTCTTGGCGGAG[A>G]ACCCACAGTCCACCCCCCAGCACTGCTTCAGTGCCATGACAAACATCTTCCAGCCACTGG-3'
Protein context (NP_001421.2, residues 545-565): ICPEERLLAE[Asn555Asp]PQSTPQHCFS